The following is an entry in ClinVar:

ClinVar aggregate classification (germline): Pathogenic/Likely pathogenic. Review status: criteria provided, multiple submitters, no conflicts (2 of 4 stars). 2 submissions from 2 submitters: Pathogenic (1); Likely pathogenic (1). Last evaluated 2025-08-29.

Conditions:
Childhood hypophosphatasia. Identifiers: Orphanet 247667, Orphanet 436, MedGen C0220743, MONDO:1010168, OMIM 241510, MONDO:0009428.
Hypophosphatasia. Also called: Phosphoethanol-aminuria. Identifiers: Orphanet 436, MedGen C0020630, MeSH D007014, MONDO:0018570.

Submissions (2):

Genomenon, Inc
Classification: Likely pathogenic for Hypophosphatasia. Last evaluated: 2025-08-29. Review status: criteria provided, single submitter. Criteria: Genomenon Sequence Variant Interpretation Standards. Collection method: curation. Allele origin: germline. Affected: yes.
Comment: ALPL Asn493Lys (c.1479C>A) is a missense variant that changes the amino acid at residue 493 from Asparagine to Lysine. This variant has been observed in a proband affected with hypophosphatasia (PMID:28763161). It has been observed in trans with a pathogenic variant (PMID:28763161). It is absent or not present at a significant frequency in gnomAD. In conclusion, we classify ALPL p.Asn493Lys (c.1479C>A) as a likely pathogenic variant.

Center of Excellence in Precision Medicine and Digital Health (CEPMDH), Faculty of Dentistry, Chulalongkorn University
Classification: Pathogenic for Childhood hypophosphatasia. Review status: criteria provided, single submitter. Criteria: ACMG Guidelines, 2015. Collection method: clinical testing. Allele origin: paternal, germline. Inheritance: Autosomal recessive inheritance. Affected: yes and no. Observed: 2 variant alleles, 1 heterozygote, 1 compound heterozygote.
Comment: Both altered amino acid positions are highly conserved among species.

Literature cited by the submitters: PubMed 28763161 (cited by Genomenon, Inc and Center of Excellence in Precision Medicine and Digital Health (CEPMDH), Faculty of Dentistry, Chulalongkorn University).

NM_000478.6(ALPL):c.1479C>A (p.Asn493Lys)

Gene: ALPL (alkaline phosphatase, biomineralization associated; plus strand). Cytogenetic location: 1p36.12.
Variant type: single nucleotide variant.
Coding change: c.1479C>A on transcript NM_000478.6 (MANE Select); coding-DNA position 1479, C replaced by A.
Protein change: p.Asn493Lys; replaces asparagine 493 with lysine.
Molecular consequence: missense variant.
Genome position (GRCh38, 1-based): chr1:21,577,552, C>A. VCF-style: chr1-21577552-C-A. GRCh37 (hg19) VCF-style: chr1-21904045-C-A.
Other names: c.1314C>A, p.Asn438Lys (NM_001127501.4); c.1248C>A, p.Asn416Lys (NM_001177520.3); c.1479C>A, p.Asn493Lys (NM_001369803.2, NM_001369804.2, NM_001369805.2); short protein forms N416K, N438K, N493K.
Identifiers: ClinVar variation 1327508 (VCV001327508.3), dbSNP rs759758484, ClinGen allele CA338882354.
Genomic context (GRCh38, chr1:21,577,552, plus strand): 5'-CGTCCACGAGCAGAACTACGTCCCCCACGTGATGGCGTATGCAGCCTGCATCGGGGCCAA[C>A]CTCGGCCACTGTGCTCCTGCCAGCTCGGCAGGCAGCCTTGCTGCAGGCCCCCTGCTGCTC-3'
Protein context (NP_000469.3, residues 483-503): VMAYAACIGA[Asn493Lys]LGHCAPASSA